The following is an entry in ClinVar:

ClinVar aggregate classification (germline): Uncertain significance. Review status: criteria provided, multiple submitters, no conflicts (2 of 4 stars). 3 submissions from 3 submitters: Uncertain significance (3). Last evaluated 2024-11-26.

Conditions:
Neuroblastoma, susceptibility to, 3. Also called: ALK-Related Neuroblastic Tumor Susceptibility. Identifiers: Orphanet 635, MedGen C2751681, MONDO:0013083, OMIM 613014.
Hereditary cancer-predisposing syndrome. Also called: Hereditary neoplastic syndrome; Tumor predisposition; Hereditary Cancer Syndrome; Neoplastic Syndromes, Hereditary. Identifiers: Orphanet 140162, MedGen C0027672, MeSH D009386, MONDO:0015356.

Allele frequency attached by ClinVar (database versions not stated): gnomAD 0.00001; TOPMed 0.00003.
gnomAD v4.1: 3 of 1,613,534 alleles (0.00019%); highest among the groups gnomAD compares: Admixed American, 0.005%; no homozygotes.

Submissions (3):

Labcorp Genetics (formerly Invitae), Labcorp
Classification: Uncertain significance for Neuroblastoma, susceptibility to, 3. Last evaluated: 2024-11-26. Review status: criteria provided, single submitter. Criteria: Invitae Variant Classification Sherloc (09022015). Collection method: clinical testing. Allele origin: germline.
Comment: This sequence change replaces lysine, which is basic and polar, with threonine, which is neutral and polar, at codon 748 of the ALK protein (p.Lys748Thr). This variant is not present in population databases (gnomAD no frequency). This variant has not been reported in the literature in individuals affected with ALK-related conditions. ClinVar contains an entry for this variant (Variation ID: 579342). An algorithm developed to predict the effect of missense changes on protein structure and function (PolyPhen-2) suggests that this variant is likely to be disruptive. In summary, the available evidence is currently insufficient to determine the role of this variant in disease. Therefore, it has been classified as a Variant of Uncertain Significance.

Ambry Genetics
Classification: Uncertain significance for Hereditary cancer-predisposing syndrome. Last evaluated: 2024-08-04. Review status: criteria provided, single submitter. Criteria: Ambry Variant Classification Scheme 2023. Collection method: clinical testing. Allele origin: germline.
Comment: The p.K748T variant (also known as c.2243A>C), located in coding exon 13 of the ALK gene, results from an A to C substitution at nucleotide position 2243. The lysine at codon 748 is replaced by threonine, an amino acid with similar properties. This amino acid position is conserved. In addition, this alteration is predicted to be tolerated by in silico analysis. Since supporting evidence is limited at this time, the clinical significance of this alteration remains unclear.

Baylor Genetics
Classification: Uncertain significance for Neuroblastoma, susceptibility to, 3. Last evaluated: 2023-08-20. Review status: criteria provided, single submitter. Criteria: ACMG Guidelines, 2015. Collection method: clinical testing. Allele origin: unknown.

NM_004304.5(ALK):c.2243A>C (p.Lys748Thr)

Gene: ALK (ALK receptor tyrosine kinase; minus strand). Cytogenetic location: 2p23.2.
Variant type: single nucleotide variant.
Coding change: c.2243A>C on transcript NM_004304.5 (MANE Select); coding-DNA position 2243, A replaced by C.
Protein change: p.Lys748Thr; replaces lysine 748 with threonine.
Molecular consequence: missense variant.
Genome position (GRCh38, 1-based): chr2:29,239,792, T>G on the plus strand (A>C on the coding strand, the complement: ALK is on the minus strand). VCF-style: chr2-29239792-T-G. GRCh37 (hg19) VCF-style: chr2-29462658-T-G.
Other names: short protein forms K748T.
Identifiers: ClinVar variation 579342 (VCV000579342.14), dbSNP rs1558633442, ClinGen allele CA346474681.